The following is an entry in ClinVar:

NM_000256.3(MYBPC3):c.477G>A (p.Met159Ile)

Gene: MYBPC3 (myosin binding protein C3; minus strand). Cytogenetic location: 11p11.2.
Variant type: single nucleotide variant.
Coding change: c.477G>A on transcript NM_000256.3 (MANE Select); coding-DNA position 477, G replaced by A.
Protein change: p.Met159Ile; replaces methionine 159 with isoleucine.
Molecular consequence: missense variant.
Genome position (GRCh38, 1-based): chr11:47,350,042, C>T on the plus strand (G>A on the coding strand, the complement: MYBPC3 is on the minus strand). VCF-style: chr11-47350042-C-T. GRCh37 (hg19) VCF-style: chr11-47371593-C-T.
Other names: p.M159I:ATG>ATA; c.477G>A, p.Met159Ile (LRG_386t1); short protein forms M159I.
Identifiers: ClinVar variation 181140 (VCV000181140.2), dbSNP rs730880706, ClinGen allele CA015207.

ClinVar aggregate classification (germline): Uncertain significance (1 of 4 stars; one submission).

Allele frequency attached by ClinVar (database versions not stated): gnomAD exomes 0.00001.

Submission:

GeneDx
Classification: Uncertain significance. Last evaluated: 2012-03-13. Review status: criteria provided, single submitter. Criteria: GeneDx Variant Classification (06012015). Collection method: clinical testing. Allele origin: germline. Affected: yes.
Comment: This variant is denoted p.Met159Ile (M159I) at the protein level and c.477 G>A at the cDNA level. The Met159Ile variant in the MYBPC3 gene has not been reported previously as a disease-causing mutation or as a benign polymorphism, to our knowledge. Met159Ile results in a conservative amino acid substitution of a non-polar Methionine with a non-polar Isoleucine at a position that is conserved across mammalian species. In silico analysis predicts Met159Ile probably has a benign effect on the protein structure or function. However, mutations at nearby codons (Ile154Thr, Leu156Pro, Arg160Trp, Pro161Ser) have been reported in association with HCM, supporting the functional importance of this region of the protein. The NHLBI ESP Exome Variant Server reports Met159Ile was not observed in approximately 5,000 samples from individuals of European and African American backgrounds, indicating it is not a common benign variant in these populations. In summary, with the clinical and molecular information available at this time, we cannot determine whether Met159Ile in the MYBPC3 gene is a disease-causing mutation or a benign variant.The variant is found in HCM panel(s).